The following is an entry in ClinVar:

ClinVar aggregate classification (germline): Uncertain significance. Review status: criteria provided, multiple submitters, no conflicts (2 of 4 stars). 2 submissions from 2 submitters: Uncertain significance (2). Last evaluated 2021-09-07.

Conditions:
Hereditary cancer-predisposing syndrome. Also called: Hereditary neoplastic syndrome; Neoplastic Syndromes, Hereditary; Tumor predisposition; Hereditary Cancer Syndrome. Identifiers: Orphanet 140162, MedGen C0027672, MeSH D009386, MONDO:0015356.

Submissions (2):

Ambry Genetics
Classification: Uncertain significance for Hereditary cancer-predisposing syndrome. Last evaluated: 2021-09-07. Review status: criteria provided, single submitter. Criteria: Ambry Variant Classification Scheme 2023. Collection method: clinical testing. Allele origin: germline.
Comment: The p.K143E variant (also known as c.427A>G), located in coding exon 3 of the NTHL1 gene, results from an A to G substitution at nucleotide position 427. The lysine at codon 143 is replaced by glutamic acid, an amino acid with similar properties. This amino acid position is conserved. In addition, the in silico prediction for this alteration is inconclusive. Since supporting evidence is limited at this time, the clinical significance of this alteration remains unclear.

Labcorp Genetics (formerly Invitae), Labcorp
Classification: Uncertain significance. Last evaluated: 2020-07-17. Review status: criteria provided, single submitter. Criteria: Invitae Variant Classification Sherloc (09022015). Collection method: clinical testing. Allele origin: germline.
Comment: This sequence change replaces lysine with glutamic acid at codon 143 of the NTHL1 protein (p.Lys143Glu). The lysine residue is highly conserved and there is a small physicochemical difference between lysine and glutamic acid. In summary, the available evidence is currently insufficient to determine the role of this variant in disease. Therefore, it has been classified as a Variant of Uncertain Significance. Algorithms developed to predict the effect of missense changes on protein structure and function are either unavailable or do not agree on the potential impact of this missense change (SIFT: "Not Available"; PolyPhen-2: "Possibly Damaging"; Align-GVGD: "Not Available"). This variant has not been reported in the literature in individuals with NTHL1-related conditions. This variant is not present in population databases (ExAC no frequency).

NM_002528.7(NTHL1):c.403A>G (p.Lys135Glu)

Gene: NTHL1 (nth like DNA glycosylase 1; minus strand). Cytogenetic location: 16p13.3.
Variant type: single nucleotide variant.
Coding change: c.403A>G on transcript NM_002528.7 (MANE Select); coding-DNA position 403, A replaced by G.
Protein change: p.Lys135Glu; replaces lysine 135 with glutamic acid.
Molecular consequence: missense variant. On other transcripts: intron variant (1).
Genome position (GRCh38, 1-based): chr16:2,044,752, T>C on the plus strand (A>G on the coding strand, the complement: NTHL1 is on the minus strand). VCF-style: chr16-2044752-T-C. GRCh37 (hg19) VCF-style: chr16-2094753-T-C.
Other names: c.73A>G, p.Lys25Glu (NM_001318194.2); c.355-1026A>G (NM_001318193.2); short protein forms K135E, K25E.
Identifiers: ClinVar variation 1004039 (VCV001004039.9), dbSNP rs2084319030, ClinGen allele CA394294547.